The following is an entry in ClinVar:

NM_052947.4(ALPK2):c.1110C>G (p.Cys370Trp)

Genes: ALPK2 (alpha kinase 2; minus strand), LOC114803473 (ALPK2 eExon liver enhancer; plus strand). Cytogenetic location: 18q21.31.
Variant type: single nucleotide variant.
Coding change: c.1110C>G on transcript NM_052947.4 (MANE Select); coding-DNA position 1110, C replaced by G.
Protein change: p.Cys370Trp; replaces cysteine 370 with tryptophan.
Molecular consequence: missense variant.
Genome position (GRCh38, 1-based): chr18:58,579,666, G>C on the plus strand (C>G on the coding strand, the complement: ALPK2 is on the minus strand). VCF-style: chr18-58579666-G-C. GRCh37 (hg19) VCF-style: chr18-56246898-G-C.
Other names: short protein forms C370W.
Identifiers: ClinVar variation 3290437 (VCV003290437.1).

ClinVar aggregate classification (germline): Uncertain significance (1 of 4 stars; one submission).

Submission:

Ambry Genetics
Classification: Uncertain significance. Last evaluated: 2024-05-18. Review status: criteria provided, single submitter. Criteria: Ambry Variant Classification Scheme 2023. Collection method: clinical testing. Allele origin: germline.
Comment: The p.C370W variant (also known as c.1110C>G), located in coding exon 3 of the ALPK2 gene, results from a C to G substitution at nucleotide position 1110. The cysteine at codon 370 is replaced by tryptophan, an amino acid with highly dissimilar properties. This amino acid position is conserved. In addition, this alteration is predicted to be tolerated by in silico analysis. Based on the available evidence, the clinical significance of this variant remains unclear.